The following is an entry in ClinVar:

NM_000051.4(ATM):c.6532G>C (p.Ala2178Pro)

Genes: C11orf65 (chromosome 11 open reading frame 65; minus strand), ATM (ATM serine/threonine kinase; plus strand). Cytogenetic location: 11q22.3.
Variant type: single nucleotide variant.
Coding change: c.6532G>C on transcript NM_000051.4 (MANE Select); coding-DNA position 6532, G replaced by C.
Protein change: p.Ala2178Pro; replaces alanine 2178 with proline.
Molecular consequence: missense variant. On other transcripts: intron variant (2).
Genome position (GRCh38, 1-based): chr11:108,321,380, G>C. VCF-style: chr11-108321380-G-C. GRCh37 (hg19) VCF-style: chr11-108192107-G-C.
Other names: c.6532G>C, p.Ala2178Pro (NM_001351834.2); c.641-12309C>G (NM_001330368.2); c.*39-12309C>G (NM_001351110.2); short protein forms A2178P.
Identifiers: ClinVar variation 3802856 (VCV003802856.1).
Genomic context (GRCh38, chr11:108,321,380, plus strand): 5'-ATGTGTAAGCGCAGCCTTGAGTCTGTGTATTCGCTCTATCCCACACTTAGCAGGTTGCAG[G>C]CCATTGGAGAGCTGGAAAGCATTGGGGAGCTTTTCTCAAGGTATGTAATTCGTATGACTT-3'
Protein context (NP_000042.3, residues 2168-2188): SLYPTLSRLQ[Ala2178Pro]IGELESIGEL

ClinVar aggregate classification (germline): Uncertain significance (1 of 4 stars; one submission).

Conditions:
Hereditary cancer-predisposing syndrome. Also called: Neoplastic Syndromes, Hereditary; Tumor predisposition; Hereditary Cancer Syndrome; Hereditary neoplastic syndrome. Identifiers: Orphanet 140162, MedGen C0027672, MeSH D009386, MONDO:0015356.

Submission:

Ambry Genetics
Classification: Uncertain significance for Hereditary cancer-predisposing syndrome. Last evaluated: 2025-02-21. Review status: criteria provided, single submitter. Criteria: Ambry Variant Classification Scheme 2023. Collection method: clinical testing. Allele origin: germline.
Comment: The p.A2178P variant (also known as c.6532G>C), located in coding exon 44 of the ATM gene, results from a G to C substitution at nucleotide position 6532. The alanine at codon 2178 is replaced by proline, an amino acid with highly similar properties. This amino acid position is conserved. In addition, the in silico prediction for this alteration is inconclusive. Based on the available evidence, the clinical significance of this variant remains unclear.